The following is an entry in ClinVar:

NM_013339.4(ALG6):c.527G>A (p.Trp176Ter)

Gene: ALG6 (ALG6 alpha-1,3-glucosyltransferase; plus strand). Cytogenetic location: 1p31.3.
Variant type: single nucleotide variant.
Coding change: c.527G>A on transcript NM_013339.4 (MANE Select); coding-DNA position 527, G replaced by A.
Protein change: p.Trp176Ter; replaces tryptophan 176 with a stop codon.
Molecular consequence: nonsense.
Genome position (GRCh38, 1-based): chr1:63,411,178, G>A. VCF-style: chr1-63411178-G-A. GRCh37 (hg19) VCF-style: chr1-63876849-G-A.
Other names: short protein forms W176*.
Identifiers: ClinVar variation 2747566 (VCV002747566.3), dbSNP rs773699560, ClinGen allele CA340634905.

ClinVar aggregate classification (germline): Pathogenic (1 of 4 stars; one submission).

Conditions:
ALG6-congenital disorder of glycosylation 1C (CDG1C). Also called: Congenital disorder of glycosylation, type Ic; CARBOHYDRATE-DEFICIENT GLYCOPROTEIN SYNDROME, TYPE I, WITH DEFICIENT GLYCOSYLATION OF DOLICHOL-LINKED OLIGOSACCHARIDE; CARBOHYDRATE-DEFICIENT GLYCOPROTEIN SYNDROME, TYPE V; Congenital disorder of glycosylation type 1C; CDG Ic. Identifiers: Orphanet 79320, MedGen C2930997, MONDO:0011291, OMIM 603147.

Submission:

Labcorp Genetics (formerly Invitae), Labcorp
Classification: Pathogenic for ALG6-congenital disorder of glycosylation 1C. Last evaluated: 2023-07-28. Review status: criteria provided, single submitter. Criteria: Invitae Variant Classification Sherloc (09022015). Collection method: clinical testing. Allele origin: germline.
Comment: This variant is not present in population databases (gnomAD no frequency). For these reasons, this variant has been classified as Pathogenic. This variant has not been reported in the literature in individuals affected with ALG6-related conditions. This sequence change creates a premature translational stop signal (p.Trp176*) in the ALG6 gene. It is expected to result in an absent or disrupted protein product. Loss-of-function variants in ALG6 are known to be pathogenic (PMID: 19862844).

Literature cited by the submitters: PubMed 19862844.